The following is an entry in ClinVar:

NM_018972.4(GDAP1):c.484+6T>C

Gene: GDAP1 (ganglioside induced differentiation associated protein 1; plus strand). Cytogenetic location: 8q21.11.
Variant type: single nucleotide variant.
Coding change: c.484+6T>C on transcript NM_018972.4 (MANE Select); 6 bases into the intron after coding-DNA position 484, T replaced by C.
Molecular consequence: intron variant.
Genome position (GRCh38, 1-based): chr8:74,360,316, T>C. VCF-style: chr8-74360316-T-C. GRCh37 (hg19) VCF-style: chr8-75272551-T-C.
Other names: c.484+6T>C (NM_001362931.2); c.311-1568T>C (NM_001362930.2); c.157+6T>C (NM_001362929.2, NM_001362932.2); c.280+6T>C (NM_001040875.4).
Identifiers: ClinVar variation 1520373 (VCV001520373.6), dbSNP rs2131513088, ClinGen allele CA2573143293.

ClinVar aggregate classification (germline): Uncertain significance (1 of 4 stars; one submission).

Conditions:
Charcot-Marie-Tooth disease type 4A. Also called: Charcot-Marie-Tooth disease, demyelinating, autosomal recessive, type 4a. Identifiers: Orphanet 99948, MedGen C1859198, MONDO:0008961, OMIM 214400.

Submission:

Labcorp Genetics (formerly Invitae), Labcorp
Classification: Uncertain significance for Charcot-Marie-Tooth disease type 4A. Last evaluated: 2022-07-19. Review status: criteria provided, single submitter. Criteria: Invitae Variant Classification Sherloc (09022015). Collection method: clinical testing. Allele origin: germline.
Comment: This sequence change falls in intron 3 of the GDAP1 gene. It does not directly change the encoded amino acid sequence of the GDAP1 protein. It affects a nucleotide within the consensus splice site. In summary, the available evidence is currently insufficient to determine the role of this variant in disease. Therefore, it has been classified as a Variant of Uncertain Significance. Variants that disrupt the consensus splice site are a relatively common cause of aberrant splicing (PMID: 17576681, 9536098). Algorithms developed to predict the effect of sequence changes on RNA splicing suggest that this variant is not likely to affect RNA splicing. ClinVar contains an entry for this variant (Variation ID: 1520373). This variant has not been reported in the literature in individuals affected with GDAP1-related conditions. This variant is not present in population databases (gnomAD no frequency).

Literature cited by the submitters: PubMed 17576681; PubMed 9536098.